The following is an entry in ClinVar:

ClinVar aggregate classification (germline): Pathogenic (1 of 4 stars; one submission).

Conditions:
Hereditary cancer-predisposing syndrome. Also called: Neoplastic Syndromes, Hereditary; Tumor predisposition; Hereditary Cancer Syndrome; Hereditary neoplastic syndrome. Identifiers: Orphanet 140162, MedGen C0027672, MeSH D009386, MONDO:0015356.

Submission:

Ambry Genetics
Classification: Pathogenic for Hereditary cancer-predisposing syndrome. Last evaluated: 2026-04-22. Review status: criteria provided, single submitter. Criteria: Ambry Variant Classification Scheme 2023. Collection method: clinical testing. Allele origin: germline.
Comment: The c.807dupG pathogenic mutation, located in coding exon 9 of the BRCA1 gene, results from a duplication of G at nucleotide position 807, causing a translational frameshift with a predicted alternate stop codon (p.H270Afs*17). This variant is considered to be rare based on population cohorts in the Genome Aggregation Database (gnomAD). This alteration is expected to result in loss of function by premature protein truncation or nonsense-mediated mRNA decay. As such, this alteration is interpreted as a disease-causing mutation.

NM_007294.4(BRCA1):c.807dup (p.His270fs)

Gene: BRCA1 (BRCA1 DNA repair associated; minus strand). Cytogenetic location: 17q21.31.
Variant type: Duplication.
Coding change: c.807dup on transcript NM_007294.4 (MANE Select); coding-DNA position 807, one base duplicated (G; older notation c.807dupG).
Protein change: p.His270fs; shifts the reading frame from histidine 270.
Molecular consequence: frameshift variant. On other transcripts: intron variant (137), 5 prime UTR variant (2).
Genome position (GRCh38, 1-based): chr17:43,094,724, C duplicated on the plus strand (G on the coding strand, the reverse complement: BRCA1 is on the minus strand). VCF-style (leftmost placement, unchanged base first): chr17-43094723-G-GC. GRCh37 (hg19) VCF-style: chr17-41246740-G-GC.
Other names: c.726dup, p.His243fs (NM_001407660.1, NM_001407661.1, NM_001407662.1 and 1 more transcripts); c.729dup, p.His244fs (NM_001407663.1, NM_001407653.1, NM_001407654.1 and 4 more transcripts); c.684dup, p.His229fs (NM_001407664.1, NM_001407665.1, NM_001407666.1 and 19 more transcripts); c.807dup, p.His270fs (NM_001407652.1, NM_007300.4, NM_001407854.1 and 30 more transcripts); c.670+1122dup (NM_001408423.1, NM_001408420.1, NM_001408419.1 and 2 more transcripts); c.787+20dup (NM_001408404.1, NM_001408472.1, NM_001407990.1 and 19 more transcripts); c.577+20dup (NM_001408492.1, NM_001408513.1, NM_001408489.1 and 9 more transcripts); c.643+20dup (NM_001408468.1, NM_001408465.1, NM_001408463.1 and 3 more transcripts); and 41 more; short protein forms H102fs, H142fs, H143fs, H158fs, H159fs, H181fs, H182fs, H199fs.
Identifiers: ClinVar variation 4867714 (VCV004867714.1).
Genomic context (GRCh38, chr17:43,094,723, plus strand): 5'-AACTGCTGTTCTCATGCTGTAATGAGCTGGCATGAGTATTTGTGCCACATGGCTCCACAT[G>GC]CAAGTTTGAAACAGAACTACCCTGATACTTTTCTGGATGCCTCTCAGCTGCACGCTTCTC-3'